The following is an entry in ClinVar:

NM_021224.6(ZNF462):c.7332G>A (p.Lys2444=)

Genes: ZNF462 (zinc finger protein 462; plus strand), LOC340512 (uncharacterized LOC340512; minus strand). Cytogenetic location: 9q31.2.
Variant type: single nucleotide variant.
Coding change: c.7332G>A on transcript NM_021224.6 (MANE Select); coding-DNA position 7332, G replaced by A.
Protein change: p.Lys2444=; no amino-acid change (lysine 2444 retained).
Molecular consequence: synonymous variant.
Genome position (GRCh38, 1-based): chr9:107,010,841, G>A. VCF-style: chr9-107010841-G-A. GRCh37 (hg19) VCF-style: chr9-109773122-G-A.
Other names: c.4737G>A, p.Lys1579= (NM_001347997.2).
Identifiers: ClinVar variation 4980780 (VCV004980780.1).

ClinVar aggregate classification (germline): Likely benign (1 of 4 stars; one submission).

Conditions:
ZNF462-related disorder. Also called: ZNF462-related condition; ZNF462 related disease.

gnomAD v4.1: 159 of 1,612,884 alleles (0.0099%); highest among the groups gnomAD compares: African/African-American, 0.17%; no homozygotes.

Submission:

PreventionGenetics, part of Exact Sciences
Classification: Likely benign for ZNF462-related condition. Last evaluated: 2026-02-19. Review status: criteria provided, single submitter. Criteria: ACMG Guidelines, 2015. Collection method: clinical testing. Allele origin: germline.
Comment: This variant is classified as likely benign based on ACMG/AMP sequence variant interpretation guidelines (Richards et al. 2015 PMID: 25741868, with internal and published modifications).